The following is an entry in ClinVar:

ClinVar aggregate classification (germline): Uncertain significance. Review status: criteria provided, multiple submitters, no conflicts (2 of 4 stars). 2 submissions from 2 submitters: Uncertain significance (2). Last evaluated 2020-09-09.

Conditions:
Hereditary cancer-predisposing syndrome. Also called: Neoplastic Syndromes, Hereditary; Tumor predisposition; Hereditary Cancer Syndrome; Hereditary neoplastic syndrome. Identifiers: Orphanet 140162, MedGen C0027672, MeSH D009386, MONDO:0015356.
BAP1-related tumor predisposition syndrome (TPDS1). Also called: BAP1 tumor predisposition syndrome; COMMON Syndrome; TUMOR PREDISPOSITION SYNDROME 1; Tumor susceptibility linked to germline BAP1 mutations. Identifiers: Orphanet 289539, MedGen C3280492, MONDO:0013692, OMIM 614327.

Allele frequency attached by ClinVar (database versions not stated): gnomAD exomes below 0.00001.
gnomAD v4.1: 4 of 1,614,130 alleles (0.00025%); highest among the groups gnomAD compares: Non-Finnish European, 0.00034%; no homozygotes.

Submissions (2):

Color Diagnostics, LLC DBA Color Health
Classification: Uncertain significance for Hereditary cancer-predisposing syndrome. Last evaluated: 2020-09-09. Review status: criteria provided, single submitter. Criteria: ACMG Guidelines, 2015. Collection method: clinical testing. Allele origin: germline.
Comment: This missense variant replaces lysine with arginine at codon 457 of the BAP1 protein. Computational prediction suggests that this variant may not impact protein structure and function (internally defined REVEL score threshold <= 0.5, PMID: 27666373). To our knowledge, functional studies have not been reported for this variant. This variant has not been reported in individuals affected with hereditary cancer in the literature. This variant has not been identified in the general population by the Genome Aggregation Database (gnomAD). The available evidence is insufficient to determine the role of this variant in disease conclusively. Therefore, this variant is classified as a Variant of Uncertain Significance.

Labcorp Genetics (formerly Invitae), Labcorp
Classification: Uncertain significance for BAP1-related tumor predisposition syndrome. Last evaluated: 2017-04-23. Review status: criteria provided, single submitter. Criteria: Invitae Variant Classification Sherloc (09022015). Collection method: clinical testing. Allele origin: germline.
Comment: This sequence change replaces lysine with arginine at codon 457 of the BAP1 protein (p.Lys457Arg). The lysine residue is moderately conserved and there is a small physicochemical difference between lysine and arginine. This variant is not present in population databases (ExAC no frequency) and has not been reported in the literature in individuals with a BAP1-related disease. Algorithms developed to predict the effect of missense changes on protein structure and function (SIFT, PolyPhen-2, Align-GVGD) all suggest that this variant is likely to be tolerated, but these predictions have not been confirmed by published functional studies. In summary, this variant is a novel missense change that is not predicted to affect protein function. There is no indication that it causes disease, but the available evidence is currently insufficient to prove that conclusively. Therefore, it has been classified as a Variant of Uncertain Significance.

NM_004656.4(BAP1):c.1370A>G (p.Lys457Arg)

Gene: BAP1 (BRCA1 associated deubiquitinase 1; minus strand). Cytogenetic location: 3p21.1.
Variant type: single nucleotide variant.
Coding change: c.1370A>G on transcript NM_004656.4 (MANE Select); coding-DNA position 1370, A replaced by G.
Protein change: p.Lys457Arg; replaces lysine 457 with arginine.
Molecular consequence: missense variant.
Genome position (GRCh38, 1-based): chr3:52,403,775, T>C on the plus strand (A>G on the coding strand, the complement: BAP1 is on the minus strand). VCF-style: chr3-52403775-T-C. GRCh37 (hg19) VCF-style: chr3-52437791-T-C.
Other names: short protein forms K457R.
Identifiers: ClinVar variation 472666 (VCV000472666.9), dbSNP rs1553644951, ClinGen allele CA353101752.